The following is an entry in ClinVar:

ClinVar aggregate classification (germline): Uncertain significance (1 of 4 stars; one submission).

Conditions:
Duchenne muscular dystrophy (DMD). Also called: MUSCULAR DYSTROPHY, PSEUDOHYPERTROPHIC PROGRESSIVE, DUCHENNE TYPE; Duchenne Muscular Dystrophy (DMD). Identifiers: Orphanet 98896, MedGen C0013264, MONDO:0010679, OMIM 310200.

gnomAD v4.1: 1 of 1,211,343 alleles (0.000083%); highest among the groups gnomAD compares: Non-Finnish European, 0.00011%; no homozygotes.

Submission:

Labcorp Genetics (formerly Invitae), Labcorp
Classification: Uncertain significance for Duchenne muscular dystrophy. Last evaluated: 2025-12-22. Review status: criteria provided, single submitter. Criteria: Invitae Variant Classification Sherloc (09022015). Collection method: clinical testing. Allele origin: germline.
Comment: This sequence change replaces glutamine, which is neutral and polar, with arginine, which is basic and polar, at codon 844 of the DMD protein (p.Gln844Arg). This variant is not present in population databases (gnomAD no frequency). This variant has not been reported in the literature in individuals affected with DMD-related conditions. ClinVar contains an entry for this variant (Variation ID: 1412528). Invitae Evidence Modeling of protein sequence and biophysical properties (such as structural, functional, and spatial information, amino acid conservation, physicochemical variation, residue mobility, and thermodynamic stability) indicates that this missense variant is not expected to disrupt DMD protein function with a negative predictive value of 95%. In summary, the available evidence is currently insufficient to determine the role of this variant in disease. Therefore, it has been classified as a Variant of Uncertain Significance.

NM_004006.3(DMD):c.2531A>G (p.Gln844Arg)

Gene: DMD (dystrophin; minus strand). Cytogenetic location: Xp21.1.
Variant type: single nucleotide variant.
Coding change: c.2531A>G on transcript NM_004006.3 (MANE Select); coding-DNA position 2531, A replaced by G.
Protein change: p.Gln844Arg; replaces glutamine 844 with arginine.
Molecular consequence: missense variant.
Genome position (GRCh38, 1-based): chrX:32,491,368, T>C on the plus strand (A>G on the coding strand, the complement: DMD is on the minus strand). VCF-style: chrX-32491368-T-C. GRCh37 (hg19) VCF-style: chrX-32509485-T-C.
Other names: c.2507A>G, p.Gln836Arg (NM_000109.4); c.2519A>G, p.Gln840Arg (NM_004009.3); c.2162A>G, p.Gln721Arg (NM_004010.3); short protein forms Q836R, Q844R, Q840R, Q721R.
Identifiers: ClinVar variation 1412528 (VCV001412528.7), dbSNP rs2148631249, ClinGen allele CA412672169.